The following is an entry in ClinVar:

NM_001457.4(FLNB):c.5075G>C (p.Gly1692Ala)

Gene: FLNB (filamin B; plus strand). Cytogenetic location: 3p14.3.
Variant type: single nucleotide variant.
Coding change: c.5075G>C on transcript NM_001457.4 (MANE Select); coding-DNA position 5075, G replaced by C.
Protein change: p.Gly1692Ala; replaces glycine 1692 with alanine.
Molecular consequence: missense variant.
Genome position (GRCh38, 1-based): chr3:58,138,495, G>C. VCF-style: chr3-58138495-G-C. GRCh37 (hg19) VCF-style: chr3-58124222-G-C.
Other names: c.5168G>C, p.Gly1723Ala (NM_001164317.2); c.5075G>C, p.Gly1692Ala (NM_001164318.2, NM_001164319.2); short protein forms G1692A, G1723A.
Identifiers: ClinVar variation 3635735 (VCV003635735.2).

ClinVar aggregate classification (germline): Uncertain significance (1 of 4 stars; one submission).

Submission:

Labcorp Genetics (formerly Invitae), Labcorp
Classification: Uncertain significance. Last evaluated: 2024-12-05. Review status: criteria provided, single submitter. Criteria: Invitae Variant Classification Sherloc (09022015). Collection method: clinical testing. Allele origin: germline.
Comment: This sequence change replaces glycine, which is neutral and non-polar, with alanine, which is neutral and non-polar, at codon 1692 of the FLNB protein (p.Gly1692Ala). This variant is not present in population databases (gnomAD no frequency). This variant has not been reported in the literature in individuals affected with FLNB-related conditions. Invitae Evidence Modeling of protein sequence and biophysical properties (such as structural, functional, and spatial information, amino acid conservation, physicochemical variation, residue mobility, and thermodynamic stability) has been performed for this missense variant. However, the output from this modeling did not meet the statistical confidence thresholds required to predict the impact of this variant on FLNB protein function. In summary, the available evidence is currently insufficient to determine the role of this variant in disease. Therefore, it has been classified as a Variant of Uncertain Significance.